The following is an entry in ClinVar:

NM_198253.3(TERT):c.220-5C>A

Genes: TERT (telomerase reverse transcriptase; minus strand), LOC110806263 (TERT 5' regulatory region; plus strand). Cytogenetic location: 5p15.33.
Variant type: single nucleotide variant.
Coding change: c.220-5C>A on transcript NM_198253.3 (MANE Select); 5 bases into the intron before coding-DNA position 220, C replaced by A.
Molecular consequence: intron variant.
Genome position (GRCh38, 1-based): chr5:1,294,671, G>T on the plus strand (C>A on the coding strand, the complement: TERT is on the minus strand). VCF-style: chr5-1294671-G-T. GRCh37 (hg19) VCF-style: chr5-1294786-G-T.
Other names: c.220-5C>A (NM_001193376.3).
Identifiers: ClinVar variation 3061112 (VCV003061112.2), dbSNP rs760071208, ClinGen allele CA2673080855.

ClinVar aggregate classification (germline): Uncertain significance (0 of 4 stars; one submission).

Conditions:
TERT-related disorder. Also called: TERT-related disorders; TERT-related condition.

gnomAD v4.1: 1 of 1,593,224 alleles (0.000063%); highest among the groups gnomAD compares: Non-Finnish European, 0.000085%; no homozygotes.

Submission:

PreventionGenetics, part of Exact Sciences
Classification: Uncertain significance for TERT-related condition. Last evaluated: 2024-02-23. Review status: no assertion criteria provided. Collection method: clinical testing. Allele origin: germline.
Comment: The TERT c.220-5C>A variant is predicted to interfere with splicing. This intronic variant is predicted to alter splicing based on available splicing prediction programs (Alamut Visual Plus v1.6.1). However, the use of computer prediction programs is not equivalent to functional evidence. To our knowledge, this variant has not been reported in the literature or in a large population database, indicating this variant is rare. This variant is not present in ClinVar. At this time, the clinical significance of this variant is uncertain due to the absence of conclusive functional and genetic evidence.